The following is an entry in ClinVar:

NM_213599.3(ANO5):c.2737C>T (p.Leu913Phe)

Gene: ANO5 (anoctamin 5; plus strand). Cytogenetic location: 11p14.3.
Variant type: single nucleotide variant.
Coding change: c.2737C>T on transcript NM_213599.3 (MANE Select); coding-DNA position 2737, C replaced by T.
Protein change: p.Leu913Phe; replaces leucine 913 with phenylalanine.
Molecular consequence: missense variant.
Genome position (GRCh38, 1-based): chr11:22,279,760, C>T. VCF-style: chr11-22279760-C-T. GRCh37 (hg19) VCF-style: chr11-22301306-C-T.
Other names: c.2734C>T, p.Leu912Phe (NM_001142649.2); c.2695C>T, p.Leu899Phe (NM_001410963.1); c.2692C>T, p.Leu898Phe (NM_001410964.1); short protein forms L898F, L899F, L912F, L913F.
Identifiers: ClinVar variation 1715163 (VCV001715163.6), dbSNP rs2494413886, ClinGen allele CA379925577.
Genomic context (GRCh38, chr11:22,279,760, plus strand): 5'-AATGAATTTGCCAAGCATGTCATGATTGAGGAAAACAAAGCACAGCTGGCTAAATCAACA[C>T]TCTAATCAGTATAGTGAGGAAGCAGCAGGTGATCTGCCTTACTTCACTTTATCCTCTGGT-3'
Protein context (NP_998764.1, residues 903-913): ENKAQLAKST[Leu913Phe]

ClinVar aggregate classification (germline): Uncertain significance (1 of 4 stars; one submission).

Conditions:
Autosomal recessive limb-girdle muscular dystrophy type 2L (LGMDR12). Also called: MUSCULAR DYSTROPHY, LIMB-GIRDLE, AUTOSOMAL RECESSIVE 12; Limb-girdle muscular dystrophy, type 2L; Limb-Girdle Muscular Dystrophy R12 Anoctamin-5-Related (LGMD-R12). Identifiers: Orphanet 206549, MedGen C1969785, MONDO:0012652, OMIM 611307.
Gnathodiaphyseal dysplasia (GDD). Also called: OSTEOGENESIS IMPERFECTA WITH UNUSUAL SKELETAL LESIONS; GNATHODIAPHYSEAL SCLEROSIS. Identifiers: Orphanet 53697, MedGen C1833736, MONDO:0008151, OMIM 166260.

Allele frequency attached by ClinVar (database versions not stated): gnomAD exomes below 0.00001.
gnomAD v4.1: 1 of 1,611,086 alleles (0.000062%); highest among the groups gnomAD compares: Non-Finnish European, 0.000085%; no homozygotes.

Submission:

Labcorp Genetics (formerly Invitae), Labcorp
Classification: Uncertain significance for Autosomal recessive limb-girdle muscular dystrophy type 2L; Gnathodiaphyseal dysplasia. Last evaluated: 2022-08-05. Review status: criteria provided, single submitter. Criteria: Invitae Variant Classification Sherloc (09022015). Collection method: clinical testing. Allele origin: germline.
Comment: In summary, the available evidence is currently insufficient to determine the role of this variant in disease. Therefore, it has been classified as a Variant of Uncertain Significance. Advanced modeling of protein sequence and biophysical properties (such as structural, functional, and spatial information, amino acid conservation, physicochemical variation, residue mobility, and thermodynamic stability) performed at Invitae indicates that this missense variant is not expected to disrupt ANO5 protein function. This variant has not been reported in the literature in individuals affected with ANO5-related conditions. This variant is not present in population databases (gnomAD no frequency). This sequence change replaces leucine, which is neutral and non-polar, with phenylalanine, which is neutral and non-polar, at codon 913 of the ANO5 protein (p.Leu913Phe).